The following is an entry in ClinVar:

NM_020247.5(COQ8A):c.68T>C (p.Val23Ala)

Gene: COQ8A (coenzyme Q8A; plus strand). Cytogenetic location: 1q42.13.
Variant type: single nucleotide variant.
Coding change: c.68T>C on transcript NM_020247.5 (MANE Select); coding-DNA position 68, T replaced by C.
Protein change: p.Val23Ala; replaces valine 23 with alanine.
Molecular consequence: missense variant.
Genome position (GRCh38, 1-based): chr1:226,961,453, T>C. VCF-style: chr1-226961453-T-C. GRCh37 (hg19) VCF-style: chr1-227149154-T-C.
Other names: c.68T>C (NM_020247.4); short protein forms V23A.
Identifiers: ClinVar variation 1968617 (VCV001968617.6), dbSNP rs778770085, ClinGen allele CA1424919.

ClinVar aggregate classification (germline): Uncertain significance. Review status: criteria provided, multiple submitters, no conflicts (2 of 4 stars). 2 submissions from 2 submitters: Uncertain significance (2). Last evaluated 2025-12-16.

Conditions:
Inborn genetic diseases. Identifiers: MedGen C0950123, MeSH D030342.

Allele frequency attached by ClinVar (database versions not stated): gnomAD exomes 0.00001; TOPMed 0.00001; ExAC 0.00002.
gnomAD v4.1: 11 of 1,613,788 alleles (0.00068%); highest among the groups gnomAD compares: East Asian, 0.0022%; no homozygotes.

Submissions (2):

Ambry Genetics
Classification: Uncertain significance for Inborn genetic diseases. Last evaluated: 2025-12-16. Review status: criteria provided, single submitter. Criteria: Ambry Variant Classification Scheme 2023. Collection method: clinical testing. Allele origin: germline.

Labcorp Genetics (formerly Invitae), Labcorp
Classification: Uncertain significance. Last evaluated: 2022-07-07. Review status: criteria provided, single submitter. Criteria: Invitae Variant Classification Sherloc (09022015). Collection method: clinical testing. Allele origin: germline.
Comment: In summary, the available evidence is currently insufficient to determine the role of this variant in disease. Therefore, it has been classified as a Variant of Uncertain Significance. Advanced modeling of protein sequence and biophysical properties (such as structural, functional, and spatial information, amino acid conservation, physicochemical variation, residue mobility, and thermodynamic stability) performed at Invitae indicates that this missense variant is not expected to disrupt COQ8A protein function. This variant has not been reported in the literature in individuals affected with COQ8A-related conditions. This variant is present in population databases (rs778770085, gnomAD 0.006%). This sequence change replaces valine, which is neutral and non-polar, with alanine, which is neutral and non-polar, at codon 23 of the COQ8A protein (p.Val23Ala).